The following is an entry in ClinVar:

NM_000214.3(JAG1):c.966T>G (p.Cys322Trp)

Gene: JAG1 (jagged canonical Notch ligand 1; minus strand). Cytogenetic location: 20p12.2.
Variant type: single nucleotide variant.
Coding change: c.966T>G on transcript NM_000214.3 (MANE Select); coding-DNA position 966, T replaced by G.
Protein change: p.Cys322Trp; replaces cysteine 322 with tryptophan.
Molecular consequence: missense variant.
Genome position (GRCh38, 1-based): chr20:10,652,171, A>C on the plus strand (T>G on the coding strand, the complement: JAG1 is on the minus strand). VCF-style: chr20-10652171-A-C. GRCh37 (hg19) VCF-style: chr20-10632819-A-C.
Other names: short protein forms C322W.
Identifiers: ClinVar variation 3573409 (VCV003573409.2).
Genomic context (GRCh38, chr20:10,652,171, plus strand): 5'-ATTCATCTTGGACCACTTACCAATTTCACAGTTGGGTCCTGAATACCCCTCAGGGCAGGA[A>C]CACTGATATTTGTCAGGGCCTGTGTTGCTACAAGTTCCCCCGTTGAGACACGGCTGATGA-3'
Protein context (NP_000205.1, residues 312-332): CSNTGPDKYQ[Cys322Trp]SCPEGYSGPN

Conditions:
Arteriohepatic dysplasia. Also called: Alagille Syndrome. Identifiers: Orphanet 52, MedGen C0085280, MeSH D016738, MONDO:0007318.

Submission:

Gilbert/Spinner Lab, Children's Hospital of Philadelphia
No classification provided (evidence only). Condition: Alagille syndrome. Review status: no classification provided. Collection method: research. Allele origin: not applicable. Functional consequence: functionally_abnormal.
ClinVar note: "not provided" was previously submitted as the classification for the variant. However, the classification appeared to be based only on an observation of functional data so it was converted to no classification on 2025-07-30.